The following is an entry in ClinVar:

ClinVar aggregate classification (germline): Uncertain significance. Review status: criteria provided, multiple submitters, no conflicts (2 of 4 stars). 2 submissions from 2 submitters: Uncertain significance (2). Last evaluated 2025-09-21.

Conditions:
Inborn genetic diseases. Identifiers: MedGen C0950123, MeSH D030342.

Allele frequency attached by ClinVar (database versions not stated): gnomAD exomes 0.00005 and 0.00023; gnomAD 0.00008 and 0.00010; ExAC 0.00012; TOPMed 0.00012.
gnomAD v4.1: 87 of 1,614,018 alleles (0.0054%); highest among the groups gnomAD compares: Admixed American, 0.13%; 1 homozygote.

Submissions (2):

Labcorp Genetics (formerly Invitae), Labcorp
Classification: Uncertain significance. Last evaluated: 2025-09-21. Review status: criteria provided, single submitter. Criteria: Invitae Variant Classification Sherloc (09022015). Collection method: clinical testing. Allele origin: germline.
Comment: This sequence change replaces serine, which is neutral and polar, with phenylalanine, which is neutral and non-polar, at codon 436 of the NRIP1 protein (p.Ser436Phe). This variant is present in population databases (rs767528211, gnomAD 0.2%), and has an allele count higher than expected for a pathogenic variant. This variant has not been reported in the literature in individuals affected with NRIP1-related conditions. ClinVar contains an entry for this variant (Variation ID: 1376370). An algorithm developed to predict the effect of missense changes on protein structure and function (PolyPhen-2) suggests that this variant is likely to be tolerated. In summary, the available evidence is currently insufficient to determine the role of this variant in disease. Therefore, it has been classified as a Variant of Uncertain Significance.

Ambry Genetics
Classification: Uncertain significance for Inborn genetic diseases. Last evaluated: 2022-01-31. Review status: criteria provided, single submitter. Criteria: Ambry Variant Classification Scheme 2023. Collection method: clinical testing. Allele origin: germline.

NM_003489.4(NRIP1):c.1307C>T (p.Ser436Phe)

Gene: NRIP1 (nuclear receptor interacting protein 1; minus strand). Cytogenetic location: 21q11.2.
Variant type: single nucleotide variant.
Coding change: c.1307C>T on transcript NM_003489.4 (MANE Select); coding-DNA position 1307, C replaced by T.
Protein change: p.Ser436Phe; replaces serine 436 with phenylalanine.
Molecular consequence: missense variant.
Genome position (GRCh38, 1-based): chr21:14,966,886, G>A on the plus strand (C>T on the coding strand, the complement: NRIP1 is on the minus strand). VCF-style: chr21-14966886-G-A. GRCh37 (hg19) VCF-style: chr21-16339207-G-A.
Other names: c.1307C>T (NM_003489.3); short protein forms S436F.
Identifiers: ClinVar variation 1376370 (VCV001376370.7), dbSNP rs767528211, ClinGen allele CA9981359.
Genomic context (GRCh38, chr21:14,966,886, plus strand): 5'-TGGTCAGATTCTGATTTTTCAGTTCGGTGTTTGCAAGACAAGTCTATGGGAACACAGTTG[G>A]AATAAGAACTTTCATCACCACTGCTGTCATCTGTAAAACTAGGATTGTTATCTGAATATT-3'
Protein context (NP_003480.2, residues 426-446): DDSSGDESSY[Ser436Phe]NCVPIDLSCK